The following is an entry in ClinVar:

ClinVar aggregate classification (germline): Uncertain significance (1 of 4 stars; one submission).

Allele frequency attached by ClinVar (database versions not stated): ESP Exome Variant Server 0.00008; gnomAD 0.00032 and 0.00034; ExAC 0.00051.
gnomAD v4.1: 474 of 1,589,386 alleles (0.03%); highest among the groups gnomAD compares: Non-Finnish European, 0.03%; 3 homozygotes.

Submission:

Labcorp Genetics (formerly Invitae), Labcorp
Classification: Uncertain significance. Last evaluated: 2025-12-15. Review status: criteria provided, single submitter. Criteria: Invitae Variant Classification Sherloc (09022015). Collection method: clinical testing. Allele origin: germline.
Comment: This sequence change replaces glycine, which is neutral and non-polar, with valine, which is neutral and non-polar, at codon 1338 of the EXPH5 protein (p.Gly1338Val). This variant is present in population databases (rs143775381, gnomAD 0.1%), and has an allele count higher than expected for a pathogenic variant. This variant has not been reported in the literature in individuals affected with EXPH5-related conditions. ClinVar contains an entry for this variant (Variation ID: 1446573). An algorithm developed to predict the effect of missense changes on protein structure and function (PolyPhen-2) suggests that this variant is likely to be disruptive. In summary, the available evidence is currently insufficient to determine the role of this variant in disease. Therefore, it has been classified as a Variant of Uncertain Significance.

NM_015065.3(EXPH5):c.4013G>T (p.Gly1338Val)

Gene: EXPH5 (exophilin 5; minus strand). Cytogenetic location: 11q22.3.
Variant type: single nucleotide variant.
Coding change: c.4013G>T on transcript NM_015065.3 (MANE Select); coding-DNA position 4013, G replaced by T.
Protein change: p.Gly1338Val; replaces glycine 1338 with valine.
Molecular consequence: missense variant.
Genome position (GRCh38, 1-based): chr11:108,511,494, C>A on the plus strand (G>T on the coding strand, the complement: EXPH5 is on the minus strand). VCF-style: chr11-108511494-C-A. GRCh37 (hg19) VCF-style: chr11-108382221-C-A.
Other names: c.3785G>T, p.Gly1262Val (NM_001144763.2); c.3545G>T, p.Gly1182Val (NM_001144764.2); c.3449G>T, p.Gly1150Val (NM_001144765.2); c.3992G>T, p.Gly1331Val (NM_001308019.2); short protein forms G1182V, G1262V, G1331V, G1150V, G1338V.
Identifiers: ClinVar variation 1446573 (VCV001446573.6), dbSNP rs143775381, ClinGen allele CA6267586.